The following is an entry in ClinVar:

NM_020821.3(VPS13C):c.1790T>C (p.Val597Ala)

Gene: VPS13C (vacuolar protein sorting 13 homolog C; minus strand). Cytogenetic location: 15q22.2.
Variant type: single nucleotide variant.
Coding change: c.1790T>C on transcript NM_020821.3 (MANE Select); coding-DNA position 1790, T replaced by C.
Protein change: p.Val597Ala; replaces valine 597 with alanine.
Molecular consequence: missense variant.
Genome position (GRCh38, 1-based): chr15:61,983,944, A>G on the plus strand (T>C on the coding strand, the complement: VPS13C is on the minus strand). VCF-style: chr15-61983944-A-G. GRCh37 (hg19) VCF-style: chr15-62276143-A-G.
Other names: p.Val597Ala; c.1790T>C, p.Val597Ala (NM_001018088.3); c.1661T>C, p.Val554Ala (NM_017684.5, NM_018080.4); short protein forms V554A, V597A.
Identifiers: ClinVar variation 3380297 (VCV003380297.1).

ClinVar aggregate classification (germline): Uncertain significance (1 of 4 stars; one submission).

Submission:

Mayo Clinic Laboratories, Mayo Clinic
Classification: Uncertain significance. Last evaluated: 2023-07-14. Review status: criteria provided, single submitter. Criteria: ACMG Guidelines, 2015. Collection method: clinical testing. Allele origin: germline. Observed: 1 variant allele.
Comment: BP4, PM2_moderate